The following is an entry in ClinVar:

NM_138576.4(BCL11B):c.797C>T (p.Pro266Leu)

Gene: BCL11B (BCL11 transcription factor B; minus strand). Cytogenetic location: 14q32.2.
Variant type: single nucleotide variant.
Coding change: c.797C>T on transcript NM_138576.4 (MANE Select); coding-DNA position 797, C replaced by T.
Protein change: p.Pro266Leu; replaces proline 266 with leucine.
Molecular consequence: missense variant.
Genome position (GRCh38, 1-based): chr14:99,176,039, G>A on the plus strand (C>T on the coding strand, the complement: BCL11B is on the minus strand). VCF-style: chr14-99176039-G-A. GRCh37 (hg19) VCF-style: chr14-99642376-G-A.
Other names: c.794C>T, p.Pro265Leu (NM_001282237.2); c.581C>T, p.Pro194Leu (NM_001282238.2); c.584C>T, p.Pro195Leu (NM_022898.3); short protein forms P266L, P194L, P195L, P265L.
Identifiers: ClinVar variation 2914739 (VCV002914739.3), dbSNP rs1435642376, ClinGen allele CA390936750.

ClinVar aggregate classification (germline): Uncertain significance (1 of 4 stars; one submission).

Allele frequency attached by ClinVar (database versions not stated): gnomAD exomes below 0.00001; gnomAD 0.00001.
gnomAD v4.1: 4 of 1,589,500 alleles (0.00025%); highest among the groups gnomAD compares: African/African-American, 0.0014%; no homozygotes.

Submission:

Labcorp Genetics (formerly Invitae), Labcorp
Classification: Uncertain significance. Last evaluated: 2024-01-02. Review status: criteria provided, single submitter. Criteria: Invitae Variant Classification Sherloc (09022015). Collection method: clinical testing. Allele origin: germline.
Comment: This sequence change replaces proline, which is neutral and non-polar, with leucine, which is neutral and non-polar, at codon 266 of the BCL11B protein (p.Pro266Leu). The frequency data for this variant in the population databases is considered unreliable, as metrics indicate poor data quality at this position in the gnomAD database. This variant has not been reported in the literature in individuals affected with BCL11B-related conditions. Advanced modeling of protein sequence and biophysical properties (such as structural, functional, and spatial information, amino acid conservation, physicochemical variation, residue mobility, and thermodynamic stability) performed at Invitae indicates that this missense variant is not expected to disrupt BCL11B protein function with a negative predictive value of 80%. In summary, the available evidence is currently insufficient to determine the role of this variant in disease. Therefore, it has been classified as a Variant of Uncertain Significance.